The following is an entry in ClinVar:

ClinVar aggregate classification (germline): Likely benign. Review status: criteria provided, multiple submitters, no conflicts (2 of 4 stars). 3 submissions from 3 submitters: Likely benign (3). Last evaluated 2025-10-12.

Conditions:
Melnick-Needles syndrome (MNS). Also called: MELNICK-NEEDLES OSTEODYSPLASTY; OSTEODYSPLASTY OF MELNICK AND NEEDLES; Melnick-Needles Syndrome (FLNA-MNS). Identifiers: Orphanet 2484, MedGen C0025237, MONDO:0010650, OMIM 309350.
Oto-palato-digital syndrome, type II (OPD2). Also called: FACIOPALATOOSSEOUS SYNDROME; OPD II SYNDROME; Otopalatodigital Syndrome, Type II; Otopalatodigital Syndrome Type 2 (FLNA-OPD2). Identifiers: Orphanet 669, Orphanet 90652, MedGen C1844696, MONDO:0010571, OMIM 304120.
Frontometaphyseal dysplasia (FMD1). Identifiers: Orphanet 1826, MedGen C0265293, MONDO:0015942.
Heterotopia, periventricular, X-linked dominant (PVNH1). Also called: PERIVENTRICULAR NODULAR HETEROTOPIA 1; X-linked periventricular heterotopia; PERIVENTRICULAR NODULAR HETEROTOPIA 4; HETEROTOPIA, PERIVENTRICULAR, 1. Identifiers: Orphanet 2149, Orphanet 82004, MedGen C1848213, MONDO:0010233, OMIM 300049.

Allele frequency attached by ClinVar (database versions not stated): gnomAD 0.00002; TOPMed 0.00002.
gnomAD v4.1: 22 of 1,207,931 alleles (0.0018%); highest among the groups gnomAD compares: Middle Eastern, 0.069%; no homozygotes.

Submissions (3):

Labcorp Genetics (formerly Invitae), Labcorp
Classification: Likely benign for Oto-palato-digital syndrome, type II; Heterotopia, periventricular, X-linked dominant; Frontometaphyseal dysplasia; Melnick-Needles syndrome. Last evaluated: 2025-10-12. Review status: criteria provided, single submitter. Criteria: Invitae Variant Classification Sherloc (09022015). Collection method: clinical testing. Allele origin: germline.

Blueprint Genetics
Classification: Likely benign. Last evaluated: 2024-11-26. Review status: criteria provided, single submitter. Criteria: ACMG Guidelines, 2015. Collection method: clinical testing. Allele origin: germline.

GeneDx
Classification: Likely benign. Last evaluated: 2018-04-20. Review status: criteria provided, single submitter. Criteria: GeneDx Variant Classification (06012015). Collection method: clinical testing. Allele origin: germline. Affected: yes.
Comment: This variant is considered likely benign or benign based on one or more of the following criteria: it is a conservative change, it occurs at a poorly conserved position in the protein, it is predicted to be benign by multiple in silico algorithms, and/or has population frequency not consistent with disease.

NM_001110556.2(FLNA):c.7333+17G>T

Gene: FLNA (filamin A; minus strand). Cytogenetic location: Xq28.
Variant type: single nucleotide variant.
Coding change: c.7333+17G>T on transcript NM_001110556.2 (MANE Select); 17 bases into the intron after coding-DNA position 7333, G replaced by T.
Molecular consequence: intron variant.
Genome position (GRCh38, 1-based): chrX:154,350,014, C>A on the plus strand (G>T on the coding strand, the complement: FLNA is on the minus strand). VCF-style: chrX-154350014-C-A. GRCh37 (hg19) VCF-style: chrX-153578382-C-A.
Other names: c.7309+17G>T (NM_001456.4).
Identifiers: ClinVar variation 682228 (VCV000682228.10), dbSNP rs781940800, ClinGen allele CA10559918.
Genomic context (GRCh38, chrX:154,350,014, plus strand): 5'-CTCCTGTTGTCACCAAGAGCTTGGAGGCAAGGGCCTAGCAGCTGTGTGCACACGTGCAGC[C>A]GCACCGACAGACTTACCTGTGACACCGCCTTCCAGACCTGCTCCGTAAGCAGACACCAAG-3'